The following is an entry in ClinVar:

NM_000140.5(FECH):c.673G>A (p.Asp225Asn)

Gene: FECH (ferrochelatase; minus strand). Cytogenetic location: 18q21.31.
Variant type: single nucleotide variant.
Coding change: c.673G>A on transcript NM_000140.5 (MANE Select); coding-DNA position 673, G replaced by A.
Protein change: p.Asp225Asn; replaces aspartic acid 225 with asparagine.
Molecular consequence: missense variant.
Genome position (GRCh38, 1-based): chr18:57,562,906, C>T on the plus strand (G>A on the coding strand, the complement: FECH is on the minus strand). VCF-style: chr18-57562906-C-T. GRCh37 (hg19) VCF-style: chr18-55230138-C-T.
Other names: c.691G>A, p.Asp231Asn (NM_001012515.4); c.673G>A, p.Asp225Asn (NM_001371094.1, NM_001374778.1); c.457G>A, p.Asp153Asn (NM_001371095.1); short protein forms D153N, D225N, D231N.
Identifiers: ClinVar variation 4808627 (VCV004808627.1).

ClinVar aggregate classification (germline): Uncertain significance (1 of 4 stars; one submission).

Submission:

Labcorp Genetics (formerly Invitae), Labcorp
Classification: Uncertain significance. Last evaluated: 2025-10-14. Review status: criteria provided, single submitter. Criteria: Invitae Variant Classification Sherloc (09022015). Collection method: clinical testing. Allele origin: germline.
Comment: This sequence change replaces aspartic acid, which is acidic and polar, with asparagine, which is neutral and polar, at codon 225 of the FECH protein (p.Asp225Asn). This variant is not present in population databases (gnomAD no frequency). This missense change has been observed in individual(s) with erythropoietic protoporphyria (internal data). In at least one individual the data is consistent with being in trans (on the opposite chromosome) from a pathogenic variant. Invitae Evidence Modeling of protein sequence and biophysical properties (such as structural, functional, and spatial information, amino acid conservation, physicochemical variation, residue mobility, and thermodynamic stability) indicates that this missense variant is expected to disrupt FECH protein function with a positive predictive value of 80%. In summary, the available evidence is currently insufficient to determine the role of this variant in disease. Therefore, it has been classified as a Variant of Uncertain Significance.